The following is an entry in ClinVar:

ClinVar aggregate classification (germline): Benign. Review status: criteria provided, multiple submitters, no conflicts (2 of 4 stars). 3 submissions from 3 submitters: Benign (3). Last evaluated 2026-02-03.

Conditions:
AP3B2-related disorder. Also called: AP3B2-related condition.

Allele frequency attached by ClinVar (database versions not stated): ESP Exome Variant Server 0.00033; gnomAD exomes 0.00130; gnomAD 0.00251; TOPMed 0.00331; 1000 Genomes Project 30x 0.01733; 1000 Genomes Project 0.01917.
gnomAD v4.1: 2,697 of 1,613,840 alleles (0.17%); highest among the groups gnomAD compares: East Asian, 4.8%; 149 homozygotes.

Submissions (3):

Labcorp Genetics (formerly Invitae), Labcorp
Classification: Benign. Last evaluated: 2026-02-03. Review status: criteria provided, single submitter. Criteria: Invitae Variant Classification Sherloc (09022015). Collection method: clinical testing. Allele origin: germline.

PreventionGenetics, part of Exact Sciences
Classification: Benign for AP3B2-related condition. Last evaluated: 2025-02-26. Review status: criteria provided, single submitter. Criteria: ACMG Guidelines, 2015. Collection method: clinical testing. Allele origin: germline.
Comment: This variant is classified as benign based on ACMG/AMP sequence variant interpretation guidelines (Richards et al. 2015 PMID: 25741868, with internal and published modifications).

Breakthrough Genomics
Classification: Benign. Review status: criteria provided, single submitter. Criteria: ACMG Guidelines, 2015. Collection method: not provided. Allele origin: germline. Inheritance: Autosomal recessive inheritance. Affected: yes.

NM_001278512.2(AP3B2):c.2792A>G (p.Lys931Arg)

Genes: AP3B2 (adaptor related protein complex 3 subunit beta 2; minus strand), CPEB1-AS1 (CPEB1 antisense RNA 1; plus strand). Cytogenetic location: 15q25.2.
Variant type: single nucleotide variant.
Coding change: c.2792A>G on transcript NM_001278512.2 (MANE Select); coding-DNA position 2792, A replaced by G.
Protein change: p.Lys931Arg; replaces lysine 931 with arginine.
Molecular consequence: missense variant.
Genome position (GRCh38, 1-based): chr15:82,662,735, T>C on the plus strand (A>G on the coding strand, the complement: AP3B2 is on the minus strand). VCF-style: chr15-82662735-T-C. GRCh37 (hg19) VCF-style: chr15-83331487-T-C.
Other names: c.2639A>G, p.Lys880Arg (NM_001278511.2); c.2735A>G, p.Lys912Arg (NM_004644.5); short protein forms K912R, K880R, K931R.
Identifiers: ClinVar variation 779962 (VCV000779962.13), dbSNP rs140282177, ClinGen allele CA7699796.